The following is an entry in ClinVar:

NM_004425.4(ECM1):c.507del (p.Arg171fs)

Gene: ECM1 (extracellular matrix protein 1; plus strand). Cytogenetic location: 1q21.2.
Variant type: Deletion.
Coding change: c.507del on transcript NM_004425.4 (MANE Select); coding-DNA position 507, one base deleted (T; older notation c.507delT).
Protein change: p.Arg171fs; shifts the reading frame from arginine 171.
Molecular consequence: frameshift variant.
Genome position (GRCh38, 1-based): chr1:150,510,997, T deleted. VCF-style (leftmost placement, unchanged base first): chr1-150510996-CT-C. GRCh37 (hg19) VCF-style: chr1-150483472-CT-C.
Other names: NP_004416.2:p.Pro169ProfsTer8; c.588del, p.Arg198fs (NM_001202858.2); c.507del, p.Arg171fs (NM_022664.3); short protein forms R171fs, R198fs.
Identifiers: ClinVar variation 222947 (VCV000222947.7), dbSNP rs869025565, ClinGen allele CA356967.
Genomic context (GRCh38, chr1:150,510,996, plus strand): 5'-AGCACTGCCAACAGGACCGGTCCCAAGGGGGCTGGGGCCACCGGCTGGATGGCTTCCCCC[CT>C]GGGCGGCCTTCTCCAGACAATCTGAACCAAATCTGCCTTCCTAACCGTCAGCATGTGGTA-3'

ClinVar aggregate classification (germline): Pathogenic. Review status: criteria provided, single submitter (1 of 4 stars). 4 submissions from 4 submitters: Pathogenic (1). 3 of the submissions do not count toward it. Last evaluated 2023-07-18.

Conditions:
ECM1-related disorder. Also called: ECM1-related condition.
Lipid proteinosis. Also called: lipoid proteinosis; HYALINOSIS CUTIS ET MUCOSAE; Lipoid Proteinosis of Urbach and Wiethe; Urbach Wiethe disease. Identifiers: Orphanet 530, MedGen C0023795, MONDO:0009530, OMIM 247100.

Allele frequency attached by ClinVar (database versions not stated): gnomAD exomes below 0.00001; TOPMed below 0.00001; gnomAD 0.00001.

Submissions (4):

PreventionGenetics, part of Exact Sciences
Classification: Pathogenic for ECM1-related condition. Last evaluated: 2023-07-18. Review status: criteria provided, single submitter. Criteria: ACMG Guidelines, 2015. Collection method: clinical testing. Allele origin: germline.
Comment: The ECM1 c.507delT variant is predicted to result in a frameshift and premature protein termination (p.Arg171Glyfs*7). This variant has been reported in the homozygous state in individuals with lipoid proteinosis (Hamada et al. 2003. PubMed ID: 12603844; Samdani et al. 2010. PubMed ID: 21886756; Oguz Akarsu et al. 2018. PubMed ID: 28434238). This variant is reported in 0.0040% of alleles in individuals of African descent in gnomAD. Frameshift variants in ECM1 are expected to be pathogenic. This variant is interpreted as pathogenic.

Istanbul Faculty of Medicine, Istanbul University
Classification: Pathogenic for Lipid proteinosis. Last evaluated: 2015-08-21. Review status: no assertion criteria provided. Collection method: clinical testing. Allele origin: germline. Affected: yes. Not counted in ClinVar's aggregate classification.

OMIM
Classification: Pathogenic for LIPOID PROTEINOSIS OF URBACH AND WIETHE. Last evaluated: 2003-03-01. Review status: no assertion criteria provided. Collection method: literature only. Allele origin: germline. Not counted in ClinVar's aggregate classification.

GeneReviews
No classification provided. Condition: Lipid proteinosis. Review status: no classification provided. Collection method: literature only. Allele origin: germline. Not counted in ClinVar's aggregate classification.

Literature cited by the submitters: PubMed 12603844 (cited by OMIM); PubMed 17927570 (cited by GeneReviews); PubMed 17199583 (cited by GeneReviews); PubMed 25529926 (cited by GeneReviews); PubMed 26803878 (cited by GeneReviews).